The following is an entry in ClinVar:

ClinVar aggregate classification (germline): Likely benign (1 of 4 stars; one submission).

Submission:

CeGaT Center for Human Genetics Tuebingen
Classification: Likely benign. Last evaluated: 2023-06-01. Review status: criteria provided, single submitter. Criteria: CeGaT Center For Human Genetics Tuebingen Variant Classification Criteria Version 2. Collection method: clinical testing. Allele origin: germline. Affected: yes. Observed: 1 variant allele.
Comment: DNM1L: PM2:Supporting, BP4, BP7

NM_012062.5(DNM1L):c.861G>A (p.Arg287=)

Gene: DNM1L (dynamin 1L; plus strand). Cytogenetic location: 12p11.21.
Variant type: single nucleotide variant.
Coding change: c.861G>A on transcript NM_012062.5 (MANE Select); coding-DNA position 861, G replaced by A.
Protein change: p.Arg287=; no amino-acid change (arginine 287 retained).
Molecular consequence: synonymous variant.
Genome position (GRCh38, 1-based): chr12:32,720,784, G>A. VCF-style: chr12-32720784-G-A. GRCh37 (hg19) VCF-style: chr12-32873718-G-A.
Other names: c.861G>A, p.Arg287= (NM_001278463.2, NM_005690.5, NM_012063.4); c.900G>A, p.Arg300= (NM_001278464.2, NM_001278465.2, NM_001330380.2); c.252G>A, p.Arg84= (NM_001278466.2).
Identifiers: ClinVar variation 2570824 (VCV002570824.27), dbSNP rs1555122234, ClinGen allele CA479170239.